The following is an entry in ClinVar:

ClinVar aggregate classification (germline): Pathogenic/Likely pathogenic. Review status: criteria provided, multiple submitters, no conflicts (2 of 4 stars). 2 submissions from 2 submitters: Pathogenic (1); Likely pathogenic (1). Last evaluated 2025-09-30.

Conditions:
Becker muscular dystrophy, Cardiomyopathy, Duchenne muscular dystrophy, Dystrophin deficiency.

Submissions (3):

Natera, Inc.
Classification: Likely pathogenic for Becker muscular dystrophy, Cardiomyopathy, Duchenne muscular dystrophy, Dystrophin deficiency. Last evaluated: 2025-09-30. Review status: criteria provided, single submitter. Criteria: Natera Variant Classification Schema (03/2026). Collection method: clinical testing. Allele origin: germline.
Comment: The c.9560A>G variant in DMD is a missense variant predicted to cause substitution of aspartic acid to glycine at amino acid 3187. This variant is rare in the general population with a frequency below the threshold expected for the associated phenotype(s). This variant has been observed in affected individual(s) with monoallelic occurrence (heterozygous/hemizygous) (PMID: 17259292, 19959795, 21396098, 37818166). Functional studies show that this variant may disrupt protein function (PMID: 21396098). Computational prediction algorithms indicate this variant is likely to affect gene or protein function. Given the available evidence, this variant is classified as Likely Pathogenic.

ARUP Laboratories, Molecular Genetics and Genomics, ARUP Laboratories
Classification: Pathogenic. Last evaluated: 2018-01-09. Review status: criteria provided, single submitter. Criteria: ARUP Molecular Germline Variant Investigation Process. Collection method: clinical testing. Allele origin: germline.
Comment: The DMD c.9560A>G; p.Asp3187Gly variant has been identified in at least two affected males included in cohorts of Duchenne muscular dystrophy (DMD) patients (Magri 2011, Taylor 2007). While the substituted glycine at codon 3187 is predicted to disrupt the secondary structure of DMD protein (Bhattacharya 2014), transcript analysis using muscle tissue from the patient described in Magri (2011) demonstrated that the primary effect of the c.9560A>G variant is likely the creation of a novel splice donor site four bases from the end of exon 65 (Magri 2011 and Alamut software v2.7.1). As the canonical acceptor site in intron 65 appears to be utilized as normal, the c.9560A>G variant effectively deletes four base pairs from the DMD transcript, resulting in a frameshifted mRNA and a truncated or absent protein product. Additionally, the c.9560A>G variant is absent from population databases such as 1000 Genomes, the NHLBI GO Exome Sequencing Project (ESP), and the Exome Aggregation Consortium (ExAC) browser. Considering available information, this variant is classified as pathogenic. References: Bhattacharya et al. Analyses of the presence of mutations in Dystrophin protein to predict their relative influences in the onset of Duchenne Muscular Dystrophy. Cell Signal. 2014; 26(12): 2857-2864. Magri et al. Clinical and molecular characterization of a cohort of patients with novel nucleotide alterations of the Dystrophin gene detected by direct sequencing. BMC Med Genet. 2011; 12:37. Taylor et al. Measurement of the clinical utility of a combined mutation detection protocol in carriers of Duchenne and Becker muscular dystrophy. J Med Genet. 2007; 44(6): 368-372.

Dr. Peter K. Rogan Lab, Western University
No classification provided (evidence only). Condition: Nonpapillary renal cell carcinoma. Review status: no classification provided. Collection method: in vitro. Allele origin: not applicable. Functional consequence: retained intron. Not counted in ClinVar's aggregate classification.

Literature cited by the submitters: PubMed 17259292 (cited by Natera, Inc.); PubMed 19959795 (cited by Natera, Inc.); PubMed 21396098 (cited by Natera, Inc.); PubMed 37818166 (cited by Natera, Inc.).

NM_004006.3(DMD):c.9560A>G (p.Asp3187Gly)

Gene: DMD (dystrophin; minus strand). Cytogenetic location: Xp21.2.
Variant type: single nucleotide variant.
Coding change: c.9560A>G on transcript NM_004006.3 (MANE Select); coding-DNA position 9560, A replaced by G.
Protein change: p.Asp3187Gly; replaces aspartic acid 3187 with glycine.
Molecular consequence: missense variant.
Genome position (GRCh38, 1-based): chrX:31,209,501, T>C on the plus strand (A>G on the coding strand, the complement: DMD is on the minus strand). VCF-style: chrX-31209501-T-C. GRCh37 (hg19) VCF-style: chrX-31227618-T-C.
Other names: NC_000023.10:g.31227618T>C; c.9560A>G (NM_004006.2); c.9536A>G, p.Asp3179Gly (NM_000109.4); c.9548A>G, p.Asp3183Gly (NM_004009.3); c.9191A>G, p.Asp3064Gly (NM_004010.3); c.5537A>G, p.Asp1846Gly (NM_004011.4); c.5528A>G, p.Asp1843Gly (NM_004012.4); c.2180A>G, p.Asp727Gly (NM_004013.3, NM_004020.4, NM_004021.3 and 2 more transcripts); and 2 more; short protein forms D3187G, D3179G, D1846G, D3183G, D119G, D458G, D727G, D1843G.
Identifiers: ClinVar variation 439608 (VCV000439608.10), dbSNP rs1556280638, ClinGen allele CA412649724.